The following is an entry in ClinVar:

ClinVar aggregate classification (germline): Uncertain significance (1 of 4 stars; one submission).

gnomAD v4.1: 1 of 1,614,100 alleles (0.000062%); highest among the groups gnomAD compares: Non-Finnish European, 0.000085%; no homozygotes.

Submission:

Labcorp Genetics (formerly Invitae), Labcorp
Classification: Uncertain significance. Last evaluated: 2024-02-06. Review status: criteria provided, single submitter. Criteria: Invitae Variant Classification Sherloc (09022015). Collection method: clinical testing. Allele origin: germline.
Comment: This sequence change creates a premature translational stop signal (p.Glu1448*) in the POLR1A gene. It is expected to result in an absent or disrupted protein product. However, the current clinical and genetic evidence is not sufficient to establish whether loss-of-function variants in POLR1A cause disease. This variant is not present in population databases (gnomAD no frequency). This variant has not been reported in the literature in individuals affected with POLR1A-related conditions. In summary, the available evidence is currently insufficient to determine the role of this variant in disease. Therefore, it has been classified as a Variant of Uncertain Significance.

NM_015425.6(POLR1A):c.4342G>T (p.Glu1448Ter)

Gene: POLR1A (RNA polymerase I subunit A; minus strand). Cytogenetic location: 2p11.2.
Variant type: single nucleotide variant.
Coding change: c.4342G>T on transcript NM_015425.6 (MANE Select); coding-DNA position 4342, G replaced by T.
Protein change: p.Glu1448Ter; replaces glutamic acid 1448 with a stop codon.
Molecular consequence: nonsense.
Genome position (GRCh38, 1-based): chr2:86,031,566, C>A on the plus strand (G>T on the coding strand, the complement: POLR1A is on the minus strand). VCF-style: chr2-86031566-C-A. GRCh37 (hg19) VCF-style: chr2-86258689-C-A.
Other names: short protein forms E1448*.
Identifiers: ClinVar variation 3639333 (VCV003639333.2).